The following is an entry in ClinVar:

ClinVar aggregate classification (germline): Uncertain significance (1 of 4 stars; one submission).

Allele frequency attached by ClinVar (database versions not stated): gnomAD exomes below 0.00001; TOPMed below 0.00001; gnomAD 0.00001; ExAC 0.00002; ESP Exome Variant Server 0.00008.
gnomAD v4.1: 7 of 1,614,036 alleles (0.00043%); highest among the groups gnomAD compares: Non-Finnish European, 0.00051%; no homozygotes.

Submission:

Labcorp Genetics (formerly Invitae), Labcorp
Classification: Uncertain significance. Last evaluated: 2022-11-23. Review status: criteria provided, single submitter. Criteria: Invitae Variant Classification Sherloc (09022015). Collection method: clinical testing. Allele origin: germline.
Comment: This sequence change creates a premature translational stop signal (p.Ser778*) in the MYLK3 gene. It is expected to result in an absent or disrupted protein product. However, the current clinical and genetic evidence is not sufficient to establish whether loss-of-function variants in MYLK3 cause disease. This variant is present in population databases (rs375113235, gnomAD 0.002%). This variant has not been reported in the literature in individuals affected with MYLK3-related conditions. In summary, the available evidence is currently insufficient to determine the role of this variant in disease. Therefore, it has been classified as a Variant of Uncertain Significance.

NM_182493.3(MYLK3):c.2333C>G (p.Ser778Ter)

Gene: MYLK3 (myosin light chain kinase 3; minus strand). Cytogenetic location: 16q11.2.
Variant type: single nucleotide variant.
Coding change: c.2333C>G on transcript NM_182493.3 (MANE Select); coding-DNA position 2333, C replaced by G.
Protein change: p.Ser778Ter; replaces serine 778 with a stop codon.
Molecular consequence: nonsense.
Genome position (GRCh38, 1-based): chr16:46,709,606, G>C on the plus strand (C>G on the coding strand, the complement: MYLK3 is on the minus strand). VCF-style: chr16-46709606-G-C. GRCh37 (hg19) VCF-style: chr16-46743518-G-C.
Other names: c.1310C>G, p.Ser437Ter (NM_001308301.1); short protein forms S778*, S437*.
Identifiers: ClinVar variation 3001618 (VCV003001618.3), dbSNP rs375113235, ClinGen allele CA8037622.